The following is an entry in ClinVar:

NM_012414.4(RAB3GAP2):c.960+1G>A

Gene: RAB3GAP2 (RAB3 GTPase activating non-catalytic protein subunit 2; minus strand). Cytogenetic location: 1q41.
Variant type: single nucleotide variant.
Coding change: c.960+1G>A on transcript NM_012414.4 (MANE Select); the canonical splice donor site of the intron after coding-DNA position 960, G replaced by A.
Molecular consequence: splice donor variant.
Genome position (GRCh38, 1-based): chr1:220,196,249, C>T on the plus strand (G>A on the coding strand, the complement: RAB3GAP2 is on the minus strand). VCF-style: chr1-220196249-C-T. GRCh37 (hg19) VCF-style: chr1-220369591-C-T.
Identifiers: ClinVar variation 4786492 (VCV004786492.1).

ClinVar aggregate classification (germline): Likely pathogenic (1 of 4 stars; one submission).

Conditions:
Warburg micro syndrome 2 (WARBM2). Also called: MICRO SYNDROME 2. Identifiers: Orphanet 2510, MedGen C3280214, MONDO:0013641, OMIM 614225.
Martsolf syndrome (MARTS). Also called: Congenital cataract with intellectual disability and hypogonadotropic hypogonadism syndrome. Identifiers: Orphanet 1387, MedGen C0796037, MONDO:0023910.

gnomAD v4.1: 1 of 1,612,680 alleles (0.000062%); no homozygotes.

Submission:

Labcorp Genetics (formerly Invitae), Labcorp
Classification: Likely pathogenic for Martsolf syndrome; Warburg micro syndrome 2. Last evaluated: 2025-11-13. Review status: criteria provided, single submitter. Criteria: Invitae Variant Classification Sherloc (09022015). Collection method: clinical testing. Allele origin: germline.
Comment: This sequence change affects a donor splice site in intron 10 of the RAB3GAP2 gene. It is expected to disrupt RNA splicing. Variants that disrupt the donor or acceptor splice site typically lead to a loss of protein function (PMID: 16199547), and loss-of-function variants in RAB3GAP2 are known to be pathogenic (PMID: 23420520). This variant is not present in population databases (gnomAD no frequency). This variant has not been reported in the literature in individuals affected with RAB3GAP2-related conditions. Algorithms developed to predict the effect of sequence changes on RNA splicing suggest that this variant may disrupt the consensus splice site. In summary, the currently available evidence indicates that the variant is pathogenic, but additional data are needed to prove that conclusively. Therefore, this variant has been classified as Likely Pathogenic.

Literature cited by the submitters: PubMed 16199547; PubMed 23420520.